The following is an entry in ClinVar:

NM_001110354.2(ZP3):c.723C>T (p.Val241=)

Gene: ZP3 (zona pellucida glycoprotein 3; plus strand). Cytogenetic location: 7q11.23.
Variant type: single nucleotide variant.
Coding change: c.723C>T on transcript NM_001110354.2 (MANE Select); coding-DNA position 723, C replaced by T.
Protein change: p.Val241=; no amino-acid change (valine 241 retained).
Molecular consequence: synonymous variant.
Genome position (GRCh38, 1-based): chr7:76,434,047, C>T. VCF-style: chr7-76434047-C-T. GRCh37 (hg19) VCF-style: chr7-76063364-C-T.
Other names: c.570C>T, p.Val190= (NM_007155.6).
Identifiers: ClinVar variation 5041064 (VCV005041064.1).
Genomic context (GRCh38, chr7:76,434,047, plus strand): 5'-CGGTGCCCGGCCCACCTGTCTGGCTTTAATACCGTTCTGTTTTCTTCCAAGCTGTCTTGT[C>T]GACGGTCTCACTGATGCCTCTTCTGCATTCAAAGTTCCTCGACCCGGGCCAGATACACTC-3'
Protein context (NP_001103824.1, residues 231-251): HTIVDFHGCL[Val241=]DGLTDASSAF

ClinVar aggregate classification (germline): Likely benign (1 of 4 stars; one submission).

Submission:

CeGaT Center for Human Genetics Tuebingen
Classification: Likely benign. Last evaluated: 2026-09-01. Review status: criteria provided, single submitter. Criteria: CeGaT Center For Human Genetics Tuebingen Variant Classification Criteria Version 2. Collection method: clinical testing. Allele origin: germline. Affected: yes. Observed: 1 variant allele.
Comment: ZP3: BS2